The following is an entry in ClinVar:

NM_001015880.2(PAPSS2):c.683T>C (p.Phe228Ser)

Gene: PAPSS2 (3'-phosphoadenosine 5'-phosphosulfate synthase 2; plus strand). Cytogenetic location: 10q23.31.
Variant type: single nucleotide variant.
Coding change: c.683T>C on transcript NM_001015880.2 (MANE Select); coding-DNA position 683, T replaced by C.
Protein change: p.Phe228Ser; replaces phenylalanine 228 with serine.
Molecular consequence: missense variant.
Genome position (GRCh38, 1-based): chr10:87,715,028, T>C. VCF-style: chr10-87715028-T-C. GRCh37 (hg19) VCF-style: chr10-89474785-T-C.
Other names: c.683T>C, p.Phe228Ser (NM_004670.4); short protein forms F228S.
Identifiers: ClinVar variation 1525091 (VCV001525091.6), dbSNP rs2131711213, ClinGen allele CA377488134.

ClinVar aggregate classification (germline): Uncertain significance (1 of 4 stars; one submission).

Conditions:
Spondyloepimetaphyseal dysplasia, PAPSS2 type. Also called: BRACHYOLMIA TYPE 4 WITH MILD EPIPHYSEAL AND METAPHYSEAL CHANGES; SPONDYLODYSPLASIA AND PREMATURE PUBARCHE; SEMD, PAKISTANI TYPE. Identifiers: Orphanet 93282, MedGen C2748516, MONDO:0019666, OMIM 612847.

Submission:

Labcorp Genetics (formerly Invitae), Labcorp
Classification: Uncertain significance for Spondyloepimetaphyseal dysplasia, PAPSS2 type. Last evaluated: 2021-10-13. Review status: criteria provided, single submitter. Criteria: Invitae Variant Classification Sherloc (09022015). Collection method: clinical testing. Allele origin: germline.
Comment: This sequence change replaces phenylalanine with serine at codon 228 of the PAPSS2 protein (p.Phe228Ser). The phenylalanine residue is highly conserved and there is a large physicochemical difference between phenylalanine and serine. This variant is not present in population databases (ExAC no frequency). This variant has not been reported in the literature in individuals affected with PAPSS2-related conditions. Algorithms developed to predict the effect of missense changes on protein structure and function (SIFT, PolyPhen-2, Align-GVGD) all suggest that this variant is likely to be disruptive. In summary, the available evidence is currently insufficient to determine the role of this variant in disease. Therefore, it has been classified as a Variant of Uncertain Significance.